The following is an entry in ClinVar:

NM_014467.3(SRPX2):c.751G>A (p.Ala251Thr)

Gene: SRPX2 (sushi repeat containing protein X-linked 2; plus strand). Cytogenetic location: Xq22.1.
Variant type: single nucleotide variant.
Coding change: c.751G>A on transcript NM_014467.3 (MANE Select); coding-DNA position 751, G replaced by A.
Protein change: p.Ala251Thr; replaces alanine 251 with threonine.
Molecular consequence: missense variant.
Genome position (GRCh38, 1-based): chrX:100,665,627, G>A. VCF-style: chrX-100665627-G-A. GRCh37 (hg19) VCF-style: chrX-99920624-G-A.
Other names: p.A251T:GCC>ACC; short protein forms A251T.
Identifiers: ClinVar variation 207392 (VCV000207392.2), dbSNP rs746147592, ClinGen allele CA318809.

ClinVar aggregate classification (germline): Uncertain significance (1 of 4 stars; one submission).

Submission:

GeneDx
Classification: Uncertain significance. Last evaluated: 2013-06-17. Review status: criteria provided, single submitter. Criteria: GeneDx Variant Classification (06012015). Collection method: clinical testing. Allele origin: germline. Affected: yes.
Comment: p.Ala251Thr (GCC>ACC): c.751 G>A in exon 7 of the SRPX2 gene (NM_014467.2) The Ala251Thr missense change has not been published as a mutation, nor has it been reported as a benign polymorphism to our knowledge. It was not observed in approximately 5,300 individuals of European and African American ancestry in the NHLBI Exome Sequencing Project, indicating it is not a common benign variant in these populations. The amino acid substitution is non-conservative, as a non-polar Alanine residue is replaced by a polar Threonine residue. It alters a highly conserved position in the HYR domain, and multiple in silico algorithms predict that Ala251Thr may be damaging to protein structure/function. However, missense mutations have not been reported previously in this region of the protein. Therefore, based on the currently available information, it is unclear whether Ala251Thr is a disease-causing mutation or a rare benign variant. The variant is found in EPILEPSY panel(s).